The following is an entry in ClinVar:

NM_004539.4(NARS1):c.32G>C (p.Arg11Pro)

Gene: NARS1 (asparaginyl-tRNA synthetase 1; minus strand). Cytogenetic location: 18q21.31.
Variant type: single nucleotide variant.
Coding change: c.32G>C on transcript NM_004539.4 (MANE Select); coding-DNA position 32, G replaced by C.
Protein change: p.Arg11Pro; replaces arginine 11 with proline.
Molecular consequence: missense variant.
Genome position (GRCh38, 1-based): chr18:57,620,630, C>G on the plus strand (G>C on the coding strand, the complement: NARS1 is on the minus strand). VCF-style: chr18-57620630-C-G. GRCh37 (hg19) VCF-style: chr18-55287862-C-G.
Other names: short protein forms R11P.
Identifiers: ClinVar variation 986306 (VCV000986306.2), dbSNP rs771435243, ClinGen allele CA8973851.

ClinVar aggregate classification (germline): Uncertain significance. Review status: criteria provided, single submitter (1 of 4 stars). 2 submissions from 2 submitters: Uncertain significance (1). 1 of the submissions does not count toward it. Last evaluated 2021-05-10.

Conditions:
Neurodevelopmental disorder with microcephaly, impaired language, and gait abnormalities. Identifiers: MedGen C5436783, MONDO:0100348, OMIM 619091.

gnomAD v4.1: 5 of 1,613,456 alleles (0.00031%); highest among the groups gnomAD compares: African/African-American, 0.0013%; no homozygotes.

Submissions (2):

SIB Swiss Institute of Bioinformatics
Classification: Uncertain significance for Neurodevelopmental disorder with microcephaly, impaired language, and gait abnormalities. Last evaluated: 2021-05-10. Review status: criteria provided, single submitter. Criteria: ACMG Guidelines, 2015. Collection method: curation. Allele origin: unknown.
Comment: This variant is interpreted as a variant of uncertain significance for Neurodevelopmental disorder with microcephaly, impaired language, and gait abnormalities, autosomal recessive. The following ACMG Tag(s) were applied: Absent from controls (or at extremely low frequency if recessive) in Exome Sequencing Project, 1000 Genomes Project, or Exome Aggregation Consortium (PM2); Cosegregation with disease in multiple affected family members in a gene definitively known to cause the disease (PP1); Well-established functional studies show a deleterious effect (PS3 downgraded to supporting).

OMIM
Classification: Pathogenic for NEURODEVELOPMENTAL DISORDER WITH MICROCEPHALY, IMPAIRED LANGUAGE, AND GAIT ABNORMALITIES. Last evaluated: 2020-11-18. Review status: no assertion criteria provided. Collection method: literature only. Allele origin: germline. Not counted in ClinVar's aggregate classification.

Literature cited by the submitters: PubMed 32738225 (cited by SIB Swiss Institute of Bioinformatics and OMIM).